The following is an entry in ClinVar:

ClinVar aggregate classification (germline): Pathogenic. Review status: criteria provided, multiple submitters, no conflicts (2 of 4 stars). 8 submissions from 8 submitters: Pathogenic (7). 1 of the submissions does not count toward it. Last evaluated 2025-03-20.

Conditions:
Autosomal recessive nonsyndromic hearing loss 23. Identifiers: Orphanet 90636, MedGen C1836027, MONDO:0012293, OMIM 609533.
Usher syndrome type 1F (USH1F). Also called: USHER SYNDROME, TYPE IF. Identifiers: Orphanet 231169, Orphanet 886, MedGen C1865885, MONDO:0011186, OMIM 602083.
Usher syndrome type 1D (USH1D). Also called: USHER SYNDROME, TYPE ID. Identifiers: Orphanet 231169, Orphanet 886, MedGen C1832845, MONDO:0010984, OMIM 601067.
PCDH15-related disorder. Also called: PCDH15-related condition; PCDH15-related disorders.

Allele frequency attached by ClinVar (database versions not stated): gnomAD 0.00001.
gnomAD v4.1: 20 of 1,610,698 alleles (0.0012%); highest among the groups gnomAD compares: South Asian, 0.0033%; no homozygotes.

Submissions (8):

Natera, Inc.
Classification: Pathogenic for Usher syndrome type 1F. Last evaluated: 2025-03-20. Review status: criteria provided, single submitter. Criteria: Natera Variant Classification Schema (03/2026). Collection method: clinical testing. Allele origin: germline.
Comment: The c.2971C>T variant in PCDH15 is a nonsense variant predicted to introduce a stop codon at amino acid 991. This variant is expected to result in nonsense mediated decay, truncation, or a dysfunctional protein product. This variant is rare in the general population with a frequency below the threshold expected for the associated phenotype(s). This variant has been observed in one or more individuals affected with the associated recessive disease, as either homozygous or compound heterozygous with a second variant (PMID: 21436283). Given the available evidence, this variant is classified as Pathogenic.

Labcorp Genetics (formerly Invitae), Labcorp
Classification: Pathogenic. Last evaluated: 2024-02-20. Review status: criteria provided, single submitter. Criteria: Invitae Variant Classification Sherloc (09022015). Collection method: clinical testing. Allele origin: germline.
Comment: This sequence change creates a premature translational stop signal (p.Arg991*) in the PCDH15 gene. It is expected to result in an absent or disrupted protein product. Loss-of-function variants in PCDH15 are known to be pathogenic (PMID: 11398101, 11487575, 14570705). This variant is present in population databases (rs754391973, gnomAD 0.004%). This premature translational stop signal has been observed in individual(s) with clinical features of Usher syndrome (PMID: 16679490, 24618850, 29568747). It has also been observed to segregate with disease in related individuals. This variant is also known as c.2758C>T (p.R920*). ClinVar contains an entry for this variant (Variation ID: 224747). For these reasons, this variant has been classified as Pathogenic.

Baylor Genetics
Classification: Pathogenic for Autosomal recessive nonsyndromic hearing loss 23. Last evaluated: 2024-02-05. Review status: criteria provided, single submitter. Criteria: ACMG Guidelines, 2015. Collection method: clinical testing. Allele origin: unknown.

Broad Center for Mendelian Genomics, Broad Institute of MIT and Harvard
Classification: Pathogenic for Usher syndrome type 1F. Last evaluated: 2023-01-24. Review status: criteria provided, single submitter. Criteria: ACMG Guidelines, 2015. Collection method: curation. Allele origin: germline. Inheritance: Autosomal recessive inheritance.
Comment: The p.Arg991Ter variant in PCDH15 has been reported in at least 2 individuals with Usher syndrome type 1F (PMID: 16679490, 32531858), and has been identified in 0.004% (4/113468) of European (non-Finnish) chromosomes by the Genome Aggregation Database (gnomAD; dbSNP ID: rs754391973). Although this variant has been seen in the general population in a heterozygous state, its frequency is low enough to be consistent with a recessive carrier frequency. This variant has also been reported in ClinVar (Variation ID#: 224747) and has been interpreted as pathogenic by Women's Health and Genetics/Laboratory Corporation of America (LabCorp), Invitae, and Centre for Genomic Medicine (Central Manchester University Hospitals). Of the 2 affected individuals, 1 was a compound heterozygote that carried a reported likely pathogenic variant in trans, which increases the likelihood that the p.Arg991Ter variant is pathogenic (PMID: 32531858). This nonsense variant leads to a premature termination codon at position 991, which is predicted to lead to a truncated or absent protein. Loss of function of the PCDH15 gene is an established disease mechanism in autosomal recessive Usher syndrome type 1F. In summary, this variant meets criteria to be classified as pathogenic for autosomal recessive Usher syndrome type 1F. ACMG/AMP Criteria applied: PVS1, PM2_supporting, PM3 (Richards 2015).

Blueprint Genetics
Classification: Pathogenic for PCDH15-related disorders. Last evaluated: 2021-04-15. Review status: criteria provided, single submitter. Criteria: ACMG Guidelines, 2015. Collection method: clinical testing. Allele origin: germline. Affected: yes. Observed: 5 variant alleles.

Women's Health and Genetics/Laboratory Corporation of America, LabCorp
Classification: Pathogenic for Usher syndrome, type 1F. Last evaluated: 2018-03-02. Review status: criteria provided, single submitter. Criteria: LabCorp Variant Classification Summary - May 2015. Collection method: clinical testing. Allele origin: germline.
Comment: Variant summary: PCDH15 c.2971C>T (p.Arg991X) results in a premature termination codon, predicted to cause a truncation of the encoded protein or absence of the protein due to nonsense mediated decay, which are commonly known mechanisms for disease. The variant allele was found at a frequency of 2e-05 in 246060 control chromosomes. This frequency is not higher than expected for a pathogenic variant in PCDH15 causing Usher Syndrome Type 1F (2e-05 vs 0.0032), allowing no conclusion about variant significance. The c.2971C>T variant has been reported in the literature in multiple homozygous individuals affected with Usher Syndrome Type 1F. These data indicate that the variant is likely to be associated with disease. To our knowledge, no experimental evidence demonstrating an impact on protein function has been reported. One clinical diagnostic laboratory has submitted clinical-significance assessments for this variant to ClinVar after 2014 without evidence for independent evaluation, and classified the variant as pathogenic. Based on the evidence outlined above, the variant was classified as pathogenic.

Genetics Research Center, University of Social Welfare and Rehabilitation Sciences
Classification: Pathogenic for Autosomal recessive nonsyndromic hearing loss 23. Review status: criteria provided, single submitter. Criteria: ACMG Guidelines, 2015. Collection method: research. Allele origin: germline. Affected: yes.
Comment: The variant is present in the gnomAD v2.1.1 dataset at a very low allele frequency (0.002%) and has been previously reported in individual(s) affected with PCDH15-related hearing loss (PMID:11398101, 11487575, 14570705). It has also been observed to segregate with disease in related individuals. It introduces a premature termination codon, which is expected to result in an absent or truncated protein product.

Centre for Genomic Medicine, Manchester, Central Manchester University Hospitals
Classification: Pathogenic for Usher syndrome type 1D. Last evaluated: 2015-08-28. Review status: no assertion criteria provided. Collection method: clinical testing. Allele origin: germline. Affected: yes. Not counted in ClinVar's aggregate classification.

Literature cited by the submitters: PubMed 21436283 (cited by Natera, Inc. and Women's Health and Genetics/Laboratory Corporation of America, LabCorp); PubMed 11398101 (cited by Labcorp Genetics (formerly Invitae), Labcorp and Genetics Research Center, University of Social Welfare and Rehabilitation Sciences); PubMed 11487575 (cited by Labcorp Genetics (formerly Invitae), Labcorp and Genetics Research Center, University of Social Welfare and Rehabilitation Sciences); PubMed 14570705 (cited by Labcorp Genetics (formerly Invitae), Labcorp and Genetics Research Center, University of Social Welfare and Rehabilitation Sciences); PubMed 16679490 (cited by Labcorp Genetics (formerly Invitae), Labcorp and Women's Health and Genetics/Laboratory Corporation of America, LabCorp); PubMed 24618850 (cited by Labcorp Genetics (formerly Invitae), Labcorp and Women's Health and Genetics/Laboratory Corporation of America, LabCorp); PubMed 29568747 (cited by Labcorp Genetics (formerly Invitae), Labcorp); PubMed 21569298 (cited by Women's Health and Genetics/Laboratory Corporation of America, LabCorp); PubMed 18719945 (cited by Women's Health and Genetics/Laboratory Corporation of America, LabCorp); PubMed 26872967 (cited by Centre for Genomic Medicine, Manchester, Central Manchester University Hospitals).

NM_001384140.1(PCDH15):c.2971C>T (p.Arg991Ter)

Gene: PCDH15 (protocadherin related 15; minus strand). Cytogenetic location: 10q21.1.
Variant type: single nucleotide variant.
Coding change: c.2971C>T on transcript NM_001384140.1 (MANE Select); coding-DNA position 2971, C replaced by T.
Protein change: p.Arg991Ter; replaces arginine 991 with a stop codon.
Molecular consequence: nonsense.
Genome position (GRCh38, 1-based): chr10:53,961,790, G>A on the plus strand (C>T on the coding strand, the complement: PCDH15 is on the minus strand). VCF-style: chr10-53961790-G-A. GRCh37 (hg19) VCF-style: chr10-55721550-G-A.
Other names: NM_001384140.1(PCDH15):c.2971C>T; p.Arg991Ter; c.2986C>T, p.Arg996Ter (NM_001142763.2, NM_001142771.2); c.2971C>T, p.Arg991Ter (NM_001142764.2, NM_001142766.2, NM_001142770.3 and 4 more transcripts); c.2758C>T, p.Arg920Ter (NM_001142765.2); c.2860C>T, p.Arg954Ter (NM_001142767.2); c.2905C>T, p.Arg969Ter (NM_001142768.2, NM_001142773.2, NM_001354404.2); c.3007C>T, p.Arg1003Ter (NM_001142769.4); and 1 more; short protein forms R991*, R996*, R1003*, R920*, R969*, R998*, R954*.
Identifiers: ClinVar variation 224747 (VCV000224747.16), dbSNP rs754391973, ClinGen allele CA351436.